The following is an entry in ClinVar:

ClinVar aggregate classification (germline): Likely pathogenic. Review status: criteria provided, multiple submitters, no conflicts (2 of 4 stars). 3 submissions from 3 submitters: Likely pathogenic (3). Last evaluated 2025-10-23.

Conditions:
Hereditary cancer-predisposing syndrome. Also called: Hereditary neoplastic syndrome; Hereditary Cancer Syndrome; Neoplastic Syndromes, Hereditary; Tumor predisposition. Identifiers: Orphanet 140162, MedGen C0027672, MeSH D009386, MONDO:0015356.
Familial adenomatous polyposis 2. Also called: MYH-associated polyposis; COLORECTAL ADENOMATOUS POLYPOSIS, AUTOSOMAL RECESSIVE; ADENOMAS, MULTIPLE COLORECTAL, AUTOSOMAL RECESSIVE; MUTYH-related attenuated familial adenomatous polyposis; Adenomas, multiple colorectal; FAP type 2. Identifiers: Orphanet 220460, Orphanet 247798, MedGen C3272841, MONDO:0012041, OMIM 608456.

Submissions (3):

Ambry Genetics
Classification: Likely pathogenic for Hereditary cancer-predisposing syndrome. Last evaluated: 2025-10-23. Review status: criteria provided, single submitter. Criteria: Ambry Variant Classification Scheme 2023. Collection method: clinical testing. Allele origin: germline.
Comment: The c.577-2A>G intronic variant results from an A to G substitution two nucleotides upstream from coding exon 8 in the MUTYH gene. Alterations that disrupt the canonical splice site are expected to result in aberrant splicing. In silico splice site analysis predicts that this alteration will weaken the native splice acceptor site; however, direct evidence is insufficient at this time (Ambry internal data). The resulting transcript is predicted to be in-frame and is not expected to trigger nonsense-mediated mRNAdecay; however, direct evidence is unavailable. The exact functional effect of the altered amino acid sequence is unknown; however, the impacted region is critical for protein function (Ambry internal data). This variant is considered to be rare based on population cohorts in the Genome Aggregation Database (gnomAD). This nucleotide position is highly conserved in available vertebrate species. Based on the majority of available evidence to date, this variant is likely to be pathogenic.

Labcorp Genetics (formerly Invitae), Labcorp
Classification: Likely pathogenic for Familial adenomatous polyposis 2. Last evaluated: 2024-08-05. Review status: criteria provided, single submitter. Criteria: Invitae Variant Classification Sherloc (09022015). Collection method: clinical testing. Allele origin: germline.
Comment: This sequence change affects an acceptor splice site in intron 7 of the MUTYH gene. RNA analysis indicates that disruption of this splice site induces altered splicing and may result in an absent or altered protein product. This variant is not present in population databases (gnomAD no frequency). Disruption of this splice site has been observed in individual(s) with ovarian cancer (PMID: 26556299). ClinVar contains an entry for this variant (Variation ID: 483898). Studies have shown that disruption of this splice site results in skipping of exon 8, and produces a non-functional protein and/or introduces a premature termination codon (Invitae). In summary, the currently available evidence indicates that the variant is pathogenic, but additional data are needed to prove that conclusively. Therefore, this variant has been classified as Likely Pathogenic.

Color Diagnostics, LLC DBA Color Health
Classification: Likely pathogenic for Hereditary cancer-predisposing syndrome. Last evaluated: 2022-01-28. Review status: criteria provided, single submitter. Criteria: ACMG Guidelines, 2015. Collection method: clinical testing. Allele origin: germline.
Comment: This variant causes an A to G nucleotide substitution at the -2 position of intron 7 of the MUTYH gene. Splice site prediction tools predict that this variant may have a significant impact on RNA splicing. Although this prediction has not been confirmed in published RNA studies, this variant is expected to result in an absent or disrupted protein product. This variant has not been reported in individuals affected with hereditary cancer in the literature. This variant has not been identified in the general population by the Genome Aggregation Database (gnomAD). Loss of MUTYH function is a known mechanism of disease. Based on the available evidence, this variant is classified as Likely Pathogenic.

Literature cited by the submitters: PubMed 26556299 (cited by Labcorp Genetics (formerly Invitae), Labcorp).

NM_001048174.2(MUTYH):c.493-2A>G

Gene: MUTYH (mutY DNA glycosylase; minus strand). Cytogenetic location: 1p34.1.
Variant type: single nucleotide variant.
Coding change: c.493-2A>G on transcript NM_001048174.2 (MANE Select); the canonical splice acceptor site of the intron before coding-DNA position 493, A replaced by G.
Molecular consequence: splice acceptor variant.
Genome position (GRCh38, 1-based): chr1:45,332,689, T>C on the plus strand (A>G on the coding strand, the complement: MUTYH is on the minus strand). VCF-style: chr1-45332689-T-C. GRCh37 (hg19) VCF-style: chr1-45798361-T-C.
Other names: c.493-2A>G (NM_001407072.1, NM_001407073.1, NM_001048171.2 and 6 more transcripts); c.148-2A>G (NM_001350651.2, NM_001350650.2, NM_001407082.1); c.217-2A>G (NM_001293192.2, NM_001293196.2, NM_001407091.1); c.538-2A>G (NM_001293190.2); c.526-2A>G (NM_001407069.1, NM_001407077.1, NM_001293191.2); c.568-2A>G (NM_012222.3); c.577-2A>G (NM_001128425.2); c.496-2A>G (NM_001407071.1, NM_001048172.2, NM_001407078.1 and 1 more transcripts); and 5 more.
Identifiers: ClinVar variation 483898 (VCV000483898.21), dbSNP rs1553128663, ClinGen allele CA340135492.